The following is an entry in ClinVar:

NM_024675.4(PALB2):c.1204C>A (p.Leu402Ile)

Gene: PALB2 (partner and localizer of BRCA2; minus strand). Cytogenetic location: 16p12.2.
Variant type: single nucleotide variant.
Coding change: c.1204C>A on transcript NM_024675.4 (MANE Select); coding-DNA position 1204, C replaced by A.
Protein change: p.Leu402Ile; replaces leucine 402 with isoleucine.
Molecular consequence: missense variant.
Genome position (GRCh38, 1-based): chr16:23,635,342, G>T on the plus strand (C>A on the coding strand, the complement: PALB2 is on the minus strand). VCF-style: chr16-23635342-G-T. GRCh37 (hg19) VCF-style: chr16-23646663-G-T.
Other names: short protein forms L402I.
Identifiers: ClinVar variation 568500 (VCV000568500.9), dbSNP rs1555461402, ClinGen allele CA395133211.

ClinVar aggregate classification (germline): Uncertain significance (1 of 4 stars; one submission).

Conditions:
Familial cancer of breast. Also called: BREAST CANCER, FAMILIAL; Hereditary breast cancer; hereditary breast carcinoma. Identifiers: Orphanet 227535, MedGen C0346153, MONDO:0016419, OMIM 114480. Disease mechanism: loss of function.

Submission:

Labcorp Genetics (formerly Invitae), Labcorp
Classification: Uncertain significance for Familial cancer of breast. Last evaluated: 2018-03-01. Review status: criteria provided, single submitter. Criteria: Invitae Variant Classification Sherloc (09022015). Collection method: clinical testing. Allele origin: germline.
Comment: This variant is not present in population databases (ExAC no frequency). In summary, the available evidence is currently insufficient to determine the role of this variant in disease. Therefore, it has been classified as a Variant of Uncertain Significance. Algorithms developed to predict the effect of missense changes on protein structure and function do not agree on the potential impact of this missense change (SIFT: "Tolerated"; PolyPhen-2: "Probably Damaging"; Align-GVGD: "Class C0"). This variant has not been reported in the literature in individuals with PALB2-related disease. This sequence change replaces leucine with isoleucine at codon 402 of the PALB2 protein (p.Leu402Ile). The leucine residue is highly conserved and there is a small physicochemical difference between leucine and isoleucine.